The following is an entry in ClinVar:

ClinVar aggregate classification (germline): Uncertain significance. Review status: criteria provided, multiple submitters, no conflicts (2 of 4 stars). 2 submissions from 2 submitters: Uncertain significance (2). Last evaluated 2024-12-02.

Conditions:
Inborn genetic diseases. Identifiers: MedGen C0950123, MeSH D030342.

Allele frequency attached by ClinVar (database versions not stated): ExAC 0.00006; gnomAD exomes below 0.00001; TOPMed 0.00004.
gnomAD v4.1: 5 of 1,557,696 alleles (0.00032%); highest among the groups gnomAD compares: African/African-American, 0.0068%; no homozygotes.

Submissions (2):

Mayo Clinic Laboratories, Mayo Clinic
Classification: Uncertain significance. Last evaluated: 2024-12-02. Review status: criteria provided, single submitter. Criteria: ACMG Guidelines, 2015. Collection method: clinical testing. Allele origin: germline. Observed: 1 variant allele.
Comment: PP3, PM2_supporting

Ambry Genetics
Classification: Uncertain significance for Inborn genetic diseases. Last evaluated: 2024-03-01. Review status: criteria provided, single submitter. Criteria: Ambry Variant Classification Scheme 2023. Collection method: clinical testing. Allele origin: germline.

NM_001374504.1(TMPRSS6):c.2077T>C (p.Cys693Arg)

Gene: TMPRSS6 (transmembrane serine protease 6; minus strand). Cytogenetic location: 22q12.3.
Variant type: single nucleotide variant.
Coding change: c.2077T>C on transcript NM_001374504.1 (MANE Select); coding-DNA position 2077, T replaced by C.
Protein change: p.Cys693Arg; replaces cysteine 693 with arginine.
Molecular consequence: missense variant.
Genome position (GRCh38, 1-based): chr22:37,069,109, A>G on the plus strand (T>C on the coding strand, the complement: TMPRSS6 is on the minus strand). VCF-style: chr22-37069109-A-G. GRCh37 (hg19) VCF-style: chr22-37465149-A-G.
Other names: p.Cys702Arg; c.2077T>C, p.Cys693Arg (NM_001289000.2, NM_001289001.2, NM_153609.4); c.2104T>C (NM_153609.3); short protein forms C693R.
Identifiers: ClinVar variation 3179939 (VCV003179939.2), dbSNP rs754321694, ClinGen allele CA10215390.
Genomic context (GRCh38, chr22:37,069,109, plus strand): 5'-CCGCCGCAAGTCCCCGCTGCTCACCGCCCTCGCGCAAGGCGCCCCAGCCCGTAATCCAGC[A>G]GTGCAGGCCGGGCTCGAAGAAGTGGGAGCGCGCGGGCAGGCAGACGGGGCGCACGGCGGC-3'
Protein context (NP_001361433.1, residues 683-703): RSHFFEPGLH[Cys693Arg]WITGWGALRE